The following is an entry in ClinVar:

NM_033380.3(COL4A5):c.465+1G>C

Gene: COL4A5 (collagen type IV alpha 5 chain; plus strand). Cytogenetic location: Xq22.3.
Variant type: single nucleotide variant.
Coding change: c.465+1G>C on transcript NM_033380.3 (MANE Select); the canonical splice donor site of the intron after coding-DNA position 465, G replaced by C.
Molecular consequence: splice donor variant.
Genome position (GRCh38, 1-based): chrX:108,571,838, G>C. VCF-style: chrX-108571838-G-C. GRCh37 (hg19) VCF-style: chrX-107815068-G-C.
Other names: c.465+1G>C (NM_000495.5).
Identifiers: ClinVar variation 3597857 (VCV003597857.2).
Genomic context (GRCh38, chrX:108,571,838, plus strand): 5'-ATATAAAATAATCCCTTTTCTTTTTAATAATAGGGACCCCCTGGGATCCCAGGTATGAAG[G>C]TAAGCATCTCATTCTGGGGAACAAATGTTTTGAATAAAATATTAGGAAAGCTGGCAACTT-3'

ClinVar aggregate classification (germline): Pathogenic/Likely pathogenic. Review status: criteria provided, multiple submitters, no conflicts (2 of 4 stars). 2 submissions from 2 submitters: Pathogenic (1); Likely pathogenic (1). Last evaluated 2025-04-08.

Conditions:
X-linked Alport syndrome (ATS1). Also called: COL4A5-Related Nephropathy; NEPHROPATHY AND DEAFNESS, X-LINKED. Identifiers: Orphanet 63, Orphanet 88917, MedGen C4746986, MONDO:0010520, OMIM 301050.

Submissions (2):

GeneDx
Classification: Likely pathogenic. Last evaluated: 2025-04-08. Review status: criteria provided, single submitter. Criteria: GeneDx Variant Classification Process June 2021. Collection method: clinical testing. Allele origin: germline. Affected: yes.
Comment: Not observed at significant frequency in large population cohorts (gnomAD); Has not been previously published as pathogenic or benign to our knowledge; Canonical splice site variant predicted to result in in-frame deletion within a critical region. Variant damages or destroys the canonical splice acceptor site in intron 8, and is expected to cause abnormal gene splicing; if the splice outcome is exon skip, the loss of the encoded residues in the triple helical region is expected to disrupt normal protein folding and function

Fulgent Genetics
Classification: Pathogenic for X-linked Alport syndrome. Last evaluated: 2024-01-23. Review status: criteria provided, single submitter. Criteria: ACMG Guidelines, 2015. Collection method: clinical testing. Allele origin: germline.